The following is an entry in ClinVar:

ClinVar aggregate classification (germline): Uncertain significance. Review status: criteria provided, multiple submitters, no conflicts (2 of 4 stars). 2 submissions from 2 submitters: Uncertain significance (2). Last evaluated 2022-08-07.

Conditions:
Neuronopathy, distal hereditary motor, autosomal recessive 4. Also called: Autosomal recessive lower motor neuron disease with childhood onset; NEUROPATHY, DISTAL HEREDITARY MOTOR, AUTOSOMAL RECESSIVE 4. Identifiers: Orphanet 206580, MedGen C1970211, MONDO:0012608, OMIM 611067.
Charcot-Marie-Tooth disease recessive intermediate C. Also called: CHARCOT-MARIE-TOOTH NEUROPATHY, RECESSIVE INTERMEDIATE C. Identifiers: Orphanet 369867, MedGen C3809309, MONDO:0014154, OMIM 615376.

Allele frequency attached by ClinVar (database versions not stated): gnomAD 0.00003; TOPMed 0.00003; gnomAD exomes 0.00004 and 0.00005.
gnomAD v4.1: 71 of 1,534,112 alleles (0.0046%); highest among the groups gnomAD compares: African/African-American, 0.0096%; no homozygotes.

Submissions (2):

Labcorp Genetics (formerly Invitae), Labcorp
Classification: Uncertain significance for Neuronopathy, distal hereditary motor, autosomal recessive 4; Charcot-Marie-Tooth disease recessive intermediate C. Last evaluated: 2022-08-07. Review status: criteria provided, single submitter. Criteria: Invitae Variant Classification Sherloc (09022015). Collection method: clinical testing. Allele origin: germline.
Comment: This sequence change replaces arginine, which is basic and polar, with cysteine, which is neutral and slightly polar, at codon 203 of the PLEKHG5 protein (p.Arg203Cys). This variant is present in population databases (no rsID available, gnomAD 0.01%). This variant has not been reported in the literature in individuals affected with PLEKHG5-related conditions. ClinVar contains an entry for this variant (Variation ID: 565690). Algorithms developed to predict the effect of missense changes on protein structure and function are either unavailable or do not agree on the potential impact of this missense change (SIFT: "Deleterious"; PolyPhen-2: "Probably Damaging"; Align-GVGD: "Class C0"). In summary, the available evidence is currently insufficient to determine the role of this variant in disease. Therefore, it has been classified as a Variant of Uncertain Significance.

GeneDx
Classification: Uncertain significance. Last evaluated: 2019-08-20. Review status: criteria provided, single submitter. Criteria: GeneDx Variant Classification Process June 2021. Collection method: clinical testing. Allele origin: germline. Affected: yes.
Comment: Not observed at a significant frequency in large population cohorts (Lek et al., 2016); In silico analysis, which includes protein predictors and evolutionary conservation, supports a deleterious effect; Has not been previously reported as a pathogenic or benign variant to our knowledge; This variant is associated with the following publications: (PMID: 30344425)

NM_020631.6(PLEKHG5):c.607C>T (p.Arg203Cys)

Gene: PLEKHG5 (pleckstrin homology and RhoGEF domain containing G5; minus strand). Cytogenetic location: 1p36.31.
Variant type: single nucleotide variant.
Coding change: c.607C>T on transcript NM_020631.6 (MANE Select); coding-DNA position 607, C replaced by T.
Protein change: p.Arg203Cys; replaces arginine 203 with cysteine.
Molecular consequence: missense variant.
Genome position (GRCh38, 1-based): chr1:6,473,439, G>A on the plus strand (C>T on the coding strand, the complement: PLEKHG5 is on the minus strand). VCF-style: chr1-6473439-G-A. GRCh37 (hg19) VCF-style: chr1-6533499-G-A.
Other names: c.718C>T, p.Arg240Cys (NM_001042663.3, NM_001265592.2); c.607C>T, p.Arg203Cys (NM_001042664.2, NM_001042665.2, NM_001265594.3 and 1 more transcripts); c.814C>T, p.Arg272Cys (NM_001265593.2); short protein forms R203C, R272C, R240C.
Identifiers: ClinVar variation 565690 (VCV000565690.8), dbSNP rs1315441735, ClinGen allele CA338137345.
Genomic context (GRCh38, chr1:6,473,439, plus strand): 5'-GCGTGGGGGGCTCCTGCCCGGGGATGCTCGCCTCCCCCAGGAACTCCGACATGTTCTTGC[G>A]GCGGCGGCCAGGGGCCTGGTCAGGGAAGGGTGGTCAGGGCCGGGACCCCCTGCCAGCCCC-3'
Protein context (NP_065682.2, residues 193-213): SLDILAPGRR[Arg203Cys]KNMSEFLGEA